The following is an entry in ClinVar:

NM_003924.4(PHOX2B):c.918C>A (p.Ala306=)

Gene: PHOX2B (paired like homeobox 2B; minus strand). Cytogenetic location: 4p13.
Variant type: single nucleotide variant.
Coding change: c.918C>A on transcript NM_003924.4 (MANE Select); coding-DNA position 918, C replaced by A.
Protein change: p.Ala306=; no amino-acid change (alanine 306 retained).
Molecular consequence: synonymous variant.
Genome position (GRCh38, 1-based): chr4:41,745,834, G>T on the plus strand (C>A on the coding strand, the complement: PHOX2B is on the minus strand). VCF-style: chr4-41745834-G-T. GRCh37 (hg19) VCF-style: chr4-41747851-G-T.
Identifiers: ClinVar variation 823073 (VCV000823073.14), dbSNP rs753912150, ClinGen allele CA439142808.

ClinVar aggregate classification (germline): Conflicting classifications of pathogenicity. Review status: criteria provided, conflicting classifications (1 of 4 stars). 3 submissions from 3 submitters: Uncertain significance (1); Likely benign (2). Last evaluated 2024-02-28.

Conditions:
Hereditary cancer-predisposing syndrome. Also called: Tumor predisposition; Hereditary Cancer Syndrome; Neoplastic Syndromes, Hereditary; Hereditary neoplastic syndrome. Identifiers: Orphanet 140162, MedGen C0027672, MeSH D009386, MONDO:0015356.
Haddad syndrome (OHD). Also called: Ondine-Hirschsprung disease. Identifiers: Orphanet 99803, MedGen C1859049, MONDO:0020493.

Allele frequency attached by ClinVar (database versions not stated): TOPMed below 0.00001.
gnomAD v4.1: 22 of 1,609,600 alleles (0.0014%); highest among the groups gnomAD compares: Non-Finnish European, 0.0017%; no homozygotes.

Submissions (3):

GeneDx
Classification: Uncertain significance. Last evaluated: 2024-02-28. Review status: criteria provided, single submitter. Criteria: GeneDx Variant Classification Process June 2021. Collection method: clinical testing. Allele origin: germline. Affected: yes.
Comment: Not observed at significant frequency in large population cohorts (gnomAD); In silico analysis supports that this variant does not alter splicing; Has not been previously published as pathogenic or benign to our knowledge

Labcorp Genetics (formerly Invitae), Labcorp
Classification: Likely benign for Haddad syndrome. Last evaluated: 2023-07-19. Review status: criteria provided, single submitter. Criteria: Invitae Variant Classification Sherloc (09022015). Collection method: clinical testing. Allele origin: germline.

Ambry Genetics
Classification: Likely benign for Hereditary cancer-predisposing syndrome. Last evaluated: 2019-01-11. Review status: criteria provided, single submitter. Criteria: Ambry Variant Classification Scheme 2023. Collection method: clinical testing. Allele origin: germline.